The following is an entry in ClinVar:

ClinVar aggregate classification (germline): Likely pathogenic (1 of 4 stars; one submission).

Conditions:
Seizures, benign familial neonatal, 1. Also called: KCNQ2-Related Self-Limited Familial Neonatal Epilepsy (SLFNE); KCNQ2-Related Benign Familial Neonatal Epilepsy; Seizures, benign neonatal, 1; Benign Neonatal Epilepsy 1. Identifiers: Orphanet 1949, MedGen C3149074, MONDO:0007365, OMIM 121200.
Developmental and epileptic encephalopathy, 7 (DEE7). Also called: KCNQ2-Related Neonatal-Onset Developmental and Epileptic Encephalopathy (NEO-DEE); KCNQ2-Related Neonatal Epileptic Encephalopathy; Early infantile epileptic encephalopathy 7. Identifiers: Orphanet 439218, MedGen C3150986, MONDO:0013387, OMIM 613720.

Submission:

Juno Genomics, Hangzhou Juno Genomics, Inc
Classification: Likely pathogenic for Developmental and epileptic encephalopathy, 7; Seizures, benign familial neonatal, 1. Review status: criteria provided, single submitter. Criteria: ACMG Guidelines, 2015. Collection method: clinical testing. Allele origin: germline.
Comment: Absent from controls (or at extremely low frequency if recessive) in Genome Aggregation Database.;Null variant in a gene where loss of function (LOF) is a known mechanism of disease.

NM_172107.4(KCNQ2):c.206del (p.Lys69fs)

Gene: KCNQ2 (potassium voltage-gated channel subfamily Q member 2; minus strand). Cytogenetic location: 20q13.33.
Variant type: Deletion.
Coding change: c.206del on transcript NM_172107.4 (MANE Select); coding-DNA position 206, one base deleted (A; older notation c.206delA).
Protein change: p.Lys69fs; shifts the reading frame from lysine 69.
Molecular consequence: frameshift variant.
Genome position (GRCh38, 1-based): chr20:63,472,258, T deleted on the plus strand (A on the coding strand, the reverse complement: KCNQ2 is on the minus strand); the first of 2 consecutive T bases (chr20:63,472,258-63,472,259); deleting either gives the same sequence. VCF-style (leftmost placement, unchanged base first): chr20-63472257-CT-C. GRCh37 (hg19) VCF-style: chr20-62103610-CT-C.
Other names: c.206del, p.Lys69fs (NM_001382235.1, NM_001439003.1, NM_001439004.1 and 4 more transcripts); short protein forms K69fs.
Identifiers: ClinVar variation 5019807 (VCV005019807.2).